The following is an entry in ClinVar:

NM_001370595.2(COA8):c.41C>A (p.Pro14His)

Gene: COA8 (cytochrome c oxidase assembly factor 8; plus strand). Cytogenetic location: 14q32.33.
Variant type: single nucleotide variant.
Coding change: c.41C>A on transcript NM_001370595.2 (MANE Select); coding-DNA position 41, C replaced by A.
Protein change: p.Pro14His; replaces proline 14 with histidine.
Molecular consequence: missense variant. On other transcripts: non-coding transcript variant (2).
Genome position (GRCh38, 1-based): chr14:103,563,042, C>A. VCF-style: chr14-103563042-C-A. GRCh37 (hg19) VCF-style: chr14-104029379-C-A.
Other names: c.80C>A (NM_032374.3); c.41C>A, p.Pro14His (NM_001302653.2, NM_001302654.2); short protein forms P14H.
Identifiers: ClinVar variation 1921730 (VCV001921730.6), dbSNP rs74917403, ClinGen allele CA7365398.
Genomic context (GRCh38, chr14:103,563,042, plus strand): 5'-GAGCCAGGGGGCGTGGGGCCATGGTGGTCTTGCGGGCGGGGAAGAAGACCTTTCTCCCCC[C>A]TCTCTGCCGCGCCTTCGCCTGCCGCGGCTGTCAACTCGCTCCGGAGCGCGGCGCCGAGCG-3'
Protein context (NP_001357524.1, residues 4-24): LRAGKKTFLP[Pro14His]LCRAFACRGC

ClinVar aggregate classification (germline): Uncertain significance. Review status: criteria provided, multiple submitters, no conflicts (2 of 4 stars). 2 submissions from 2 submitters: Uncertain significance (2). Last evaluated 2022-07-11.

Conditions:
Inborn genetic diseases. Identifiers: MedGen C0950123, MeSH D030342.

gnomAD v4.1: 23 of 1,543,338 alleles (0.0015%); highest among the groups gnomAD compares: Admixed American, 0.0077%; no homozygotes.

Submissions (2):

Labcorp Genetics (formerly Invitae), Labcorp
Classification: Uncertain significance. Last evaluated: 2022-07-11. Review status: criteria provided, single submitter. Criteria: Invitae Variant Classification Sherloc (09022015). Collection method: clinical testing. Allele origin: germline.
Comment: This variant has not been reported in the literature in individuals affected with APOPT1-related conditions. In summary, the available evidence is currently insufficient to determine the role of this variant in disease. Therefore, it has been classified as a Variant of Uncertain Significance. Algorithms developed to predict the effect of missense changes on protein structure and function are either unavailable or do not agree on the potential impact of this missense change (SIFT: "Tolerated"; PolyPhen-2: "Possibly Damaging"; Align-GVGD: "Class C0"). The frequency data for this variant in the population databases is considered unreliable, as metrics indicate poor data quality at this position in the gnomAD database. This sequence change replaces proline, which is neutral and non-polar, with histidine, which is basic and polar, at codon 27 of the APOPT1 protein (p.Pro27His).

Ambry Genetics
Classification: Uncertain significance for Inborn genetic diseases. Last evaluated: 2021-12-06. Review status: criteria provided, single submitter. Criteria: Ambry Variant Classification Scheme 2023. Collection method: clinical testing. Allele origin: germline.